The following is an entry in ClinVar:

NM_001258392.3(CLPB):c.354_355delinsCT (p.Ala119Ser)

Gene: CLPB (ClpB family mitochondrial disaggregase; minus strand). Cytogenetic location: 11q13.4.
Variant type: Indel.
Coding change: c.354_355delinsCT on transcript NM_001258392.3 (MANE Select); coding-DNA positions 354 to 355, GG replaced by CT.
Protein change: p.Ala119Ser; replaces alanine 119 with serine.
Molecular consequence: missense variant.
Genome position (GRCh38, 1-based): chr11:72,434,120-72,434,121, CC replaced by AG on the plus strand (GG replaced by CT on the coding strand, the reverse complement: CLPB is on the minus strand). VCF-style: chr11-72434120-CC-AG. GRCh37 (hg19) VCF-style: chr11-72145164-CC-AG.
Other names: c.354_355delinsCT, p.Ala119Ser (NM_001258393.3, NM_030813.6); c.112_113delinsCT, p.Gly38Leu (NM_001258394.3); short protein forms A119S, G38L.
Identifiers: ClinVar variation 2823908 (VCV002823908.3), dbSNP rs2496012012, ClinGen allele CA2739270670.
Genomic context (GRCh38, chr11:72,434,120, plus strand): 5'-TCTCATAATCACCCTTGTTGGACGGACTCTTGCTGTAGCAATGAACCACCAGCGCTGCGG[CC>AG]AGGGCGCACATGCCCAGTCCGGCCCTGCTGGGGACCCCGTTCCAGCTGTCCTGTCCTGGG-3'
Protein context (NP_001245321.1, residues 109-129): SRAGLGMCAL[Ala119Ser]AALVVHCYSK

ClinVar aggregate classification (germline): Uncertain significance (1 of 4 stars; one submission).

Conditions:
3-methylglutaconic aciduria, type VIIB (MGCA7B). Also called: CLPB Deficiency; 3-methylglutaconic aciduria with cataracts, neurologic involvement and neutropenia; 3-methylglutaconic aciduria, type VII, with cataracts, neurologic involvement and neutropenia. Identifiers: Orphanet 445038, MedGen C5676893, MONDO:0014561, OMIM 616271.

Submission:

Labcorp Genetics (formerly Invitae), Labcorp
Classification: Uncertain significance for 3-methylglutaconic aciduria, type VIIB. Last evaluated: 2022-12-24. Review status: criteria provided, single submitter. Criteria: Invitae Variant Classification Sherloc (09022015). Collection method: clinical testing. Allele origin: germline.
Comment: In summary, the available evidence is currently insufficient to determine the role of this variant in disease. Therefore, it has been classified as a Variant of Uncertain Significance. Experimental studies and prediction algorithms are not available or were not evaluated, and the functional significance of this variant is currently unknown. This variant has not been reported in the literature in individuals affected with CLPB-related conditions. Information on the frequency of this variant in the gnomAD database is not available, as this variant may be reported differently in the database. This sequence change replaces alanine, which is neutral and non-polar, with serine, which is neutral and polar, at codon 119 of the CLPB protein (p.Ala119Ser).